The following is an entry in ClinVar:

NM_001166114.2(PNPLA6):c.2422A>G (p.Ser808Gly)

Gene: PNPLA6 (patatin like domain 6, lysophospholipase; plus strand). Cytogenetic location: 19p13.2.
Variant type: single nucleotide variant.
Coding change: c.2422A>G on transcript NM_001166114.2 (MANE Select); coding-DNA position 2422, A replaced by G.
Protein change: p.Ser808Gly; replaces serine 808 with glycine.
Molecular consequence: missense variant.
Genome position (GRCh38, 1-based): chr19:7,554,229, A>G. VCF-style: chr19-7554229-A-G. GRCh37 (hg19) VCF-style: chr19-7619115-A-G.
Other names: c.2452A>G, p.Ser818Gly (NM_001166111.2); c.2227A>G, p.Ser743Gly (NM_001166112.2); c.2308A>G, p.Ser770Gly (NM_001166113.1, NM_006702.5); short protein forms S743G, S770G, S818G, S808G.
Identifiers: ClinVar variation 1466683 (VCV001466683.8), dbSNP rs1402183916, ClinGen allele CA403127211.
Genomic context (GRCh38, chr19:7,554,229, plus strand): 5'-GGACCATGGTTCCCAGCCTCCCTTCCCCACCTACCCCTAGGTCCGACGCTACTCCTTAAC[A>G]GTGACATCATCCGGGCACGCCTGGGGGCCTCCGCACTGGATAGGTGTGTGTTGCAGAAGG-3'
Protein context (NP_001159586.1, residues 798-818): QAIGPTLLLN[Ser808Gly]DIIRARLGAS

ClinVar aggregate classification (germline): Uncertain significance (1 of 4 stars; one submission).

Conditions:
Hereditary spastic paraplegia 39 (SPG39). Also called: Spastic Paraplegia Type 39 (SPG39); SPASTIC PARAPLEGIA 39, AUTOSOMAL RECESSIVE. Identifiers: Orphanet 139480, MedGen C2677586, MONDO:0012787, OMIM 612020.

Allele frequency attached by ClinVar (database versions not stated): gnomAD exomes below 0.00001.
gnomAD v4.1: 1 of 1,613,374 alleles (0.000062%); highest among the groups gnomAD compares: Non-Finnish European, 0.000085%; no homozygotes.

Submission:

Labcorp Genetics (formerly Invitae), Labcorp
Classification: Uncertain significance for Hereditary spastic paraplegia 39. Last evaluated: 2020-12-16. Review status: criteria provided, single submitter. Criteria: Invitae Variant Classification Sherloc (09022015). Collection method: clinical testing. Allele origin: germline.
Comment: In summary, the available evidence is currently insufficient to determine the role of this variant in disease. Therefore, it has been classified as a Variant of Uncertain Significance. Algorithms developed to predict the effect of missense changes on protein structure and function are either unavailable or do not agree on the potential impact of this missense change (SIFT: "Deleterious"; PolyPhen-2: "Possibly Damaging"; Align-GVGD: "Class C0"). This variant has not been reported in the literature in individuals with PNPLA6-related conditions. This variant is not present in population databases (ExAC no frequency). This sequence change replaces serine with glycine at codon 770 of the PNPLA6 protein (p.Ser770Gly). The serine residue is highly conserved and there is a small physicochemical difference between serine and glycine.